The following is an entry in ClinVar:

NM_000383.4(AIRE):c.1285G>T (p.Ala429Ser)

Gene: AIRE (autoimmune regulator; plus strand). Cytogenetic location: 21q22.3.
Variant type: single nucleotide variant.
Coding change: c.1285G>T on transcript NM_000383.4 (MANE Select); coding-DNA position 1285, G replaced by T.
Protein change: p.Ala429Ser; replaces alanine 429 with serine.
Molecular consequence: missense variant.
Genome position (GRCh38, 1-based): chr21:44,293,795, G>T. VCF-style: chr21-44293795-G-T. GRCh37 (hg19) VCF-style: chr21-45713678-G-T.
Other names: short protein forms A429S.
Identifiers: ClinVar variation 1984430 (VCV001984430.4), dbSNP rs763544499, ClinGen allele CA10052042.
Genomic context (GRCh38, chr21:44,293,795, plus strand): 5'-TCAGCTACATTTCCCCCGGCCCCCCGCGTCACCCCGCGCTGTTGCCTCCCACAGAACCTG[G>T]CTCCTGGTGCGCGTTGCGGGGTGTGCGGAGATGGTACGGACGTGCTGCGGTGTACTCACT-3'
Protein context (NP_000374.1, residues 419-439): CVGPEGQQNL[Ala429Ser]PGARCGVCGD

ClinVar aggregate classification (germline): Uncertain significance. Review status: criteria provided, multiple submitters, no conflicts (2 of 4 stars). 2 submissions from 2 submitters: Uncertain significance (2). Last evaluated 2024-02-14.

Conditions:
Polyglandular autoimmune syndrome, type 1 (APS1). Also called: HYPOADRENOCORTICISM WITH HYPOPARATHYROIDISM AND SUPERFICIAL MONILIASIS; PGA I; Autoimmune polyendocrinopathy syndrome , type I, with or without reversible metaphyseal dysplasia; AUTOIMMUNE POLYENDOCRINE SYNDROME, TYPE I, WITH OR WITHOUT REVERSIBLE METAPHYSEAL DYSPLASIA; APS I; Whitaker syndrome. Identifiers: Orphanet 3453, MedGen C0085859, MONDO:0009411, OMIM 240300.

Allele frequency attached by ClinVar (database versions not stated): TOPMed 0.00001; ExAC 0.00002.
gnomAD v4.1: 6 of 1,596,340 alleles (0.00038%); highest among the groups gnomAD compares: Non-Finnish European, 0.00051%; no homozygotes.

Submissions (2):

Labcorp Genetics (formerly Invitae), Labcorp
Classification: Uncertain significance for Polyglandular autoimmune syndrome, type 1. Last evaluated: 2024-02-14. Review status: criteria provided, single submitter. Criteria: Invitae Variant Classification Sherloc (09022015). Collection method: clinical testing. Allele origin: germline.
Comment: This sequence change replaces alanine, which is neutral and non-polar, with serine, which is neutral and polar, at codon 429 of the AIRE protein (p.Ala429Ser). This variant is present in population databases (rs763544499, gnomAD 0.003%). This variant has not been reported in the literature in individuals affected with AIRE-related conditions. ClinVar contains an entry for this variant (Variation ID: 1984430). Advanced modeling of protein sequence and biophysical properties (such as structural, functional, and spatial information, amino acid conservation, physicochemical variation, residue mobility, and thermodynamic stability) performed at Invitae indicates that this missense variant is not expected to disrupt AIRE protein function with a negative predictive value of 95%. In summary, the available evidence is currently insufficient to determine the role of this variant in disease. Therefore, it has been classified as a Variant of Uncertain Significance.

Blueprint Genetics
Classification: Uncertain significance. Last evaluated: 2018-07-06. Review status: criteria provided, single submitter. Criteria: ACMG Guidelines, 2015. Collection method: clinical testing. Allele origin: germline.